The following is an entry in ClinVar:

NM_003504.5(CDC45):c.829C>T (p.Arg277Cys)

Gene: CDC45 (cell division cycle 45; plus strand). Cytogenetic location: 22q11.21.
Variant type: single nucleotide variant.
Coding change: c.829C>T on transcript NM_003504.5 (MANE Select); coding-DNA position 829, C replaced by T.
Protein change: p.Arg277Cys; replaces arginine 277 with cysteine.
Molecular consequence: missense variant. On other transcripts: non-coding transcript variant (1).
Genome position (GRCh38, 1-based): chr22:19,507,390, C>T. VCF-style: chr22-19507390-C-T. GRCh37 (hg19) VCF-style: chr22-19494913-C-T.
Other names: c.925C>T, p.Arg309Cys (NM_001178010.2); c.691C>T, p.Arg231Cys (NM_001178011.2); c.793C>T, p.Arg265Cys (NM_001369291.1); c.925C>T (NM_001178010.1); short protein forms R309C, R231C, R277C, R265C.
Identifiers: ClinVar variation 2900765 (VCV002900765.2), dbSNP rs777498222, ClinGen allele CA10101261.

ClinVar aggregate classification (germline): Uncertain significance. Review status: criteria provided, multiple submitters, no conflicts (2 of 4 stars). 2 submissions from 2 submitters: Uncertain significance (2). Last evaluated 2025-02-11.

Conditions:
Inborn genetic diseases. Identifiers: MedGen C0950123, MeSH D030342.

Allele frequency attached by ClinVar (database versions not stated): gnomAD 0.00003; ExAC 0.00005; TOPMed 0.00005; gnomAD exomes 0.00006.

Submissions (2):

Ambry Genetics
Classification: Uncertain significance for Inborn genetic diseases. Last evaluated: 2025-02-11. Review status: criteria provided, single submitter. Criteria: Ambry Variant Classification Scheme 2023. Collection method: clinical testing. Allele origin: germline.

Labcorp Genetics (formerly Invitae), Labcorp
Classification: Uncertain significance. Last evaluated: 2023-06-19. Review status: criteria provided, single submitter. Criteria: Invitae Variant Classification Sherloc (09022015). Collection method: clinical testing. Allele origin: germline.
Comment: In summary, the available evidence is currently insufficient to determine the role of this variant in disease. Therefore, it has been classified as a Variant of Uncertain Significance. Algorithms developed to predict the effect of missense changes on protein structure and function output the following: SIFT: "Not Available"; PolyPhen-2: "Benign"; Align-GVGD: "Not Available". The cysteine amino acid residue is found in multiple mammalian species, which suggests that this missense change does not adversely affect protein function. This variant has not been reported in the literature in individuals affected with CDC45-related conditions. This variant is present in population databases (rs777498222, gnomAD 0.007%). This sequence change replaces arginine, which is basic and polar, with cysteine, which is neutral and slightly polar, at codon 309 of the CDC45 protein (p.Arg309Cys).